The following is an entry in ClinVar:

ClinVar aggregate classification (germline): Pathogenic/Likely pathogenic. Review status: criteria provided, multiple submitters, no conflicts (2 of 4 stars). 2 submissions from 2 submitters: Pathogenic (1); Likely pathogenic (1). Last evaluated 2025-06-17.

Conditions:
Congenital myasthenic syndrome (CMS). Also called: Congenital Myasthenic Syndromes. Identifiers: Orphanet 590, MedGen C0751882, MeSH D020294, MONDO:0018940.
Congenital myasthenic syndrome 4A. Also called: Myasthenic syndrome, congenital, 4a, slow-channel; MYASTHENIC SYNDROME, CONGENITAL, 4A, SLOW-CHANNEL, AUTOSOMAL RECESSIVE; CONGENITAL MYASTHENIC SYNDROME TYPE Ia1. Identifiers: Orphanet 590, MedGen C4225413, MONDO:0011600, OMIM 605809.

Submissions (2):

Natera, Inc.
Classification: Likely pathogenic for Congenital myasthenic syndrome. Last evaluated: 2025-06-17. Review status: criteria provided, single submitter. Criteria: Natera Variant Classification Schema (03/2026). Collection method: clinical testing. Allele origin: germline.
Comment: The c.1080_1098dup variant in CHRNE is a frameshift variant predicted to shift the reading frame beginning at codon 367 and leads to a stop codon 36 codons downstream. This variant is expected to result in nonsense mediated decay, truncation, or a dysfunctional protein product. This variant is rare in the general population with a frequency below the threshold expected for the associated phenotype(s). Given the available evidence, this variant is classified as Likely Pathogenic.

Labcorp Genetics (formerly Invitae), Labcorp
Classification: Pathogenic for Congenital myasthenic syndrome 4A. Last evaluated: 2023-07-09. Review status: criteria provided, single submitter. Criteria: Invitae Variant Classification Sherloc (09022015). Collection method: clinical testing. Allele origin: germline.
Comment: For these reasons, this variant has been classified as Pathogenic. This sequence change creates a premature translational stop signal (p.Ser367Argfs*36) in the CHRNE gene. It is expected to result in an absent or disrupted protein product. Loss-of-function variants in CHRNE are known to be pathogenic (PMID: 22678886). This variant is not present in population databases (gnomAD no frequency). This variant has not been reported in the literature in individuals affected with CHRNE-related conditions. ClinVar contains an entry for this variant (Variation ID: 1072372).

Literature cited by the submitters: PubMed 22678886 (cited by Labcorp Genetics (formerly Invitae), Labcorp).

NM_000080.4(CHRNE):c.1080_1098dup (p.Ser367fs)

Genes: CHRNE (cholinergic receptor nicotinic epsilon subunit; minus strand), LOC130060041 (ATAC-STARR-seq lymphoblastoid silent region 8050; plus strand). Cytogenetic location: 17p13.2.
Variant type: Duplication.
Coding change: c.1080_1098dup on transcript NM_000080.4 (MANE Select); coding-DNA positions 1080 to 1098, 19 bases duplicated (CGAGGCCCCCCGGGCCGCC).
Protein change: p.Ser367fs; shifts the reading frame from serine 367.
Molecular consequence: frameshift variant.
Genome position (GRCh38, 1-based): chr17:4,899,319-4,899,337, GGCGGCCCGGGGGGCCTCG duplicated on the plus strand (CGAGGCCCCCCGGGCCGCC on the coding strand, the reverse complement: CHRNE is on the minus strand); duplicating any 19 consecutive bases within chr17:4,899,319-4,899,343 gives the same sequence; the c. name uses the placement nearest the transcript's 3' end. VCF-style (leftmost placement, unchanged base first): chr17-4899318-A-AGGCGGCCCGGGGGGCCTCG. GRCh37 (hg19) VCF-style: chr17-4802613-A-AGGCGGCCCGGGGGGCCTCG.
Other names: c.1080_1098dup (NM_000080.3); short protein forms S367fs.
Identifiers: ClinVar variation 1072372 (VCV001072372.8), dbSNP rs1969858094, ClinGen allele CA980970585.